The following is an entry in ClinVar:

ClinVar aggregate classification (germline): Likely benign. Review status: criteria provided, multiple submitters, no conflicts (2 of 4 stars). 3 submissions from 3 submitters: Likely benign (3). Last evaluated 2026-01-27.

Allele frequency attached by ClinVar (database versions not stated): gnomAD exomes 0.00011 and 0.00021; ExAC 0.00013; gnomAD 0.00016; TOPMed 0.00018; 1000 Genomes Project 0.00020; 1000 Genomes Project 30x 0.00031; ESP Exome Variant Server 0.00038.
gnomAD v4.1: 327 of 1,614,006 alleles (0.02%); highest among the groups gnomAD compares: Non-Finnish European, 0.024%; no homozygotes.

Submissions (3):

Labcorp Genetics (formerly Invitae), Labcorp
Classification: Likely benign. Last evaluated: 2026-01-27. Review status: criteria provided, single submitter. Criteria: Invitae Variant Classification Sherloc (09022015). Collection method: clinical testing. Allele origin: germline.

Blueprint Genetics
Classification: Likely benign. Last evaluated: 2024-09-03. Review status: criteria provided, single submitter. Criteria: ACMG Guidelines, 2015. Collection method: clinical testing. Allele origin: germline.

GeneDx
Classification: Likely benign. Last evaluated: 2017-10-19. Review status: criteria provided, single submitter. Criteria: GeneDx Variant Classification (06012015). Collection method: clinical testing. Allele origin: germline. Affected: yes.
Comment: This variant is considered likely benign or benign based on one or more of the following criteria: it is a conservative change, it occurs at a poorly conserved position in the protein, it is predicted to be benign by multiple in silico algorithms, and/or has population frequency not consistent with disease.

NM_001844.5(COL2A1):c.816+13G>A

Gene: COL2A1 (collagen type II alpha 1 chain; minus strand). Cytogenetic location: 12q13.11.
Variant type: single nucleotide variant.
Coding change: c.816+13G>A on transcript NM_001844.5 (MANE Select); 13 bases into the intron after coding-DNA position 816, G replaced by A.
Molecular consequence: intron variant.
Genome position (GRCh38, 1-based): chr12:47,994,411, C>T on the plus strand (G>A on the coding strand, the complement: COL2A1 is on the minus strand). VCF-style: chr12-47994411-C-T. GRCh37 (hg19) VCF-style: chr12-48388194-C-T.
Other names: c.609+13G>A (NM_033150.3).
Identifiers: ClinVar variation 512719 (VCV000512719.11), dbSNP rs149757685, ClinGen allele CA6535773.
Genomic context (GRCh38, chr12:47,994,411, plus strand): 5'-ATGCACTGTGTTTAAGGCCACAGGGAGGGAGACGCTAGGAAAGATGCCTGAGGCTGGGAA[C>T]GGTGGCGTTTACCTGAGGACCAGGCGGACCCCTTTCACCAGCTTTTCCAGGTTTTCCAGC-3'